The following is an entry in ClinVar:

ClinVar aggregate classification (germline): Benign/Likely benign. Review status: criteria provided, multiple submitters, no conflicts (2 of 4 stars). 3 submissions from 3 submitters: Benign (1); Likely benign (2). Last evaluated 2026-01-18.

Conditions:
Hypertrophic cardiomyopathy. Also called: HYPERTROPHIC MYOCARDIOPATHY. Identifiers: Orphanet 217569, MedGen C0007194, MeSH D002312, MONDO:0005045, HP:0001639.

Allele frequency attached by ClinVar (database versions not stated): ESP Exome Variant Server 0.00025; TOPMed 0.00029; 1000 Genomes Project 30x 0.00219; 1000 Genomes Project 0.00260.
gnomAD v4.1: 1,260 of 1,605,932 alleles (0.078%); highest among the groups gnomAD compares: South Asian, 0.87%; 20 homozygotes.

Submissions (3):

Labcorp Genetics (formerly Invitae), Labcorp
Classification: Benign for Hypertrophic cardiomyopathy. Last evaluated: 2026-01-18. Review status: criteria provided, single submitter. Criteria: Invitae Variant Classification Sherloc (09022015). Collection method: clinical testing. Allele origin: germline.

Laboratory for Molecular Medicine, Mass General Brigham Personalized Medicine
Classification: Likely benign. Last evaluated: 2015-04-03. Review status: criteria provided, single submitter. Criteria: LMM Criteria. Collection method: clinical testing. Allele origin: germline. Observed: 2 variant alleles.
Comment: c.1023-14G>A in intron 6 of MYOM1: This variant is not expected to have clinical significance because it has been identified in 0.9% (147/16350) of South Asian chromosomes by the Exome Aggregation Consortium (ExAC; dbSNP rs372359086).

Breakthrough Genomics
Classification: Likely benign. Review status: criteria provided, single submitter. Criteria: ACMG Guidelines, 2015. Collection method: not provided. Allele origin: germline. Inheritance: Unknown mechanism. Affected: yes.

NM_003803.4(MYOM1):c.1023-14G>A

Gene: MYOM1 (myomesin 1; minus strand). Cytogenetic location: 18p11.31.
Variant type: single nucleotide variant.
Coding change: c.1023-14G>A on transcript NM_003803.4 (MANE Select); 14 bases into the intron before coding-DNA position 1023, G replaced by A.
Molecular consequence: intron variant.
Genome position (GRCh38, 1-based): chr18:3,174,222, C>T on the plus strand (G>A on the coding strand, the complement: MYOM1 is on the minus strand). VCF-style: chr18-3174222-C-T. GRCh37 (hg19) VCF-style: chr18-3174220-C-T.
Other names: c.1023-14G>A (NM_019856.2).
Identifiers: ClinVar variation 227688 (VCV000227688.14), dbSNP rs372359086, ClinGen allele CA8875084.